The following is an entry in ClinVar:

ClinVar aggregate classification (germline): Uncertain significance. Review status: criteria provided, multiple submitters, no conflicts (2 of 4 stars). 2 submissions from 2 submitters: Uncertain significance (2). Last evaluated 2021-05-05.

Conditions:
Hereditary spastic paraplegia 4. Also called: Spastic paraplegia 4, autosomal dominant; Familial spastic paraplegia autosomal dominant 2; Spastic Paraplegia 4. Identifiers: Orphanet 100985, MedGen C1866855, MONDO:0008438, OMIM 182601.
Spastic paraplegia. Identifiers: MedGen C0037772, HP:0001258.

Submissions (2):

Labcorp Genetics (formerly Invitae), Labcorp
Classification: Uncertain significance for Hereditary spastic paraplegia 4. Last evaluated: 2021-05-05. Review status: criteria provided, single submitter. Criteria: Invitae Variant Classification Sherloc (09022015). Collection method: clinical testing. Allele origin: germline.
Comment: In summary, the available evidence is currently insufficient to determine the role of this variant in disease. Therefore, it has been classified as a Variant of Uncertain Significance. Advanced modeling of protein sequence and biophysical properties (such as structural, functional, and spatial information, amino acid conservation, physicochemical variation, residue mobility, and thermodynamic stability) performed at Invitae indicates that this missense variant is not expected to disrupt SPAST protein function. This variant has not been reported in the literature in individuals with SPAST-related conditions. ClinVar contains an entry for this variant (Variation ID: 951475). This variant is not present in population databases (ExAC no frequency). This sequence change replaces glycine with valine at codon 277 of the SPAST protein (p.Gly277Val). The glycine residue is weakly conserved and there is a moderate physicochemical difference between glycine and valine.

Paris Brain Institute, Inserm - ICM
Classification: Uncertain significance for Spastic paraplegia. Review status: criteria provided, single submitter. Criteria: ACMG Guidelines, 2015. Collection method: clinical testing. Allele origin: unknown. Affected: yes. Observed: 1 variant allele.

NM_014946.4(SPAST):c.830G>T (p.Gly277Val)

Gene: SPAST (spastin; plus strand). Cytogenetic location: 2p22.3.
Variant type: single nucleotide variant.
Coding change: c.830G>T on transcript NM_014946.4 (MANE Select); coding-DNA position 830, G replaced by T.
Protein change: p.Gly277Val; replaces glycine 277 with valine.
Molecular consequence: missense variant.
Genome position (GRCh38, 1-based): chr2:32,114,785, G>T. VCF-style: chr2-32114785-G-T. GRCh37 (hg19) VCF-style: chr2-32339854-G-T.
Other names: c.827G>T, p.Gly276Val (NM_001363823.2); c.731G>T, p.Gly244Val (NM_001363875.2); c.734G>T, p.Gly245Val (NM_001377959.1, NM_199436.2); short protein forms G245V, G277V, G244V, G276V.
Identifiers: ClinVar variation 951475 (VCV000951475.12), dbSNP rs1678761963, ClinGen allele CA346498776.